The following is an entry in ClinVar:

ClinVar aggregate classification (germline): Uncertain significance. Review status: criteria provided, multiple submitters, no conflicts (2 of 4 stars). 2 submissions from 2 submitters: Uncertain significance (2). Last evaluated 2026-07-07.

Conditions:
Hereditary cancer-predisposing syndrome. Also called: Hereditary neoplastic syndrome; Neoplastic Syndromes, Hereditary; Tumor predisposition; Hereditary Cancer Syndrome. Identifiers: Orphanet 140162, MedGen C0027672, MeSH D009386, MONDO:0015356.
Carney complex, type 1 (CNC1). Also called: CARNEY MYXOMA-ENDOCRINE COMPLEX; CARNEY COMPLEX, TYPE I. Identifiers: Orphanet 1359, MedGen C2607929, MONDO:0008057, OMIM 160980.

Allele frequency attached by ClinVar (database versions not stated): gnomAD exomes below 0.00001.
gnomAD v4.1: 5 of 1,613,596 alleles (0.00031%); highest among the groups gnomAD compares: Admixed American, 0.0017%; no homozygotes.

Submissions (2):

Ambry Genetics
Classification: Uncertain significance for Hereditary cancer-predisposing syndrome. Last evaluated: 2026-07-07. Review status: criteria provided, single submitter. Criteria: Ambry Variant Classification Scheme 2023. Collection method: clinical testing. Allele origin: germline.
Comment: The p.A126T variant (also known as c.376G>A), located in coding exon 3 of the PRKAR1A gene, results from a G to A substitution at nucleotide position 376. The alanine at codon 126 is replaced by threonine, an amino acid with similar properties. This amino acid position is conserved. In addition, the in silico prediction for this alteration is inconclusive. Based on the available evidence, the clinical significance of this variant remains unclear.

Labcorp Genetics (formerly Invitae), Labcorp
Classification: Uncertain significance for Carney complex, type 1. Last evaluated: 2022-10-21. Review status: criteria provided, single submitter. Criteria: Invitae Variant Classification Sherloc (09022015). Collection method: clinical testing. Allele origin: germline.
Comment: This sequence change replaces alanine, which is neutral and non-polar, with threonine, which is neutral and polar, at codon 126 of the PRKAR1A protein (p.Ala126Thr). This variant is not present in population databases (gnomAD no frequency). This variant has not been reported in the literature in individuals affected with PRKAR1A-related conditions. Advanced modeling of protein sequence and biophysical properties (such as structural, functional, and spatial information, amino acid conservation, physicochemical variation, residue mobility, and thermodynamic stability) performed at Invitae indicates that this missense variant is not expected to disrupt PRKAR1A protein function. In summary, the available evidence is currently insufficient to determine the role of this variant in disease. Therefore, it has been classified as a Variant of Uncertain Significance.

NM_002734.5(PRKAR1A):c.376G>A (p.Ala126Thr)

Gene: PRKAR1A (protein kinase cAMP-dependent type I regulatory subunit alpha; plus strand). Cytogenetic location: 17q24.2.
Variant type: single nucleotide variant.
Coding change: c.376G>A on transcript NM_002734.5 (MANE Select); coding-DNA position 376, G replaced by A.
Protein change: p.Ala126Thr; replaces alanine 126 with threonine.
Molecular consequence: missense variant.
Genome position (GRCh38, 1-based): chr17:68,523,752, G>A. VCF-style: chr17-68523752-G-A. GRCh37 (hg19) VCF-style: chr17-66519893-G-A.
Other names: c.376G>A (NM_002734.3); c.376G>A, p.Ala126Thr (NM_001276289.2, NM_001276290.1, NM_001278433.2 and 4 more transcripts); short protein forms A126T.
Identifiers: ClinVar variation 1947524 (VCV001947524.6), dbSNP rs2143288579, ClinGen allele CA400752604.